The following is an entry in ClinVar:

ClinVar aggregate classification (germline): Uncertain significance. Review status: criteria provided, multiple submitters, no conflicts (2 of 4 stars). 2 submissions from 2 submitters: Uncertain significance (2). Last evaluated 2026-01-31.

Conditions:
Hereditary cancer-predisposing syndrome. Also called: Tumor predisposition; Hereditary Cancer Syndrome; Hereditary neoplastic syndrome; Neoplastic Syndromes, Hereditary. Identifiers: Orphanet 140162, MedGen C0027672, MeSH D009386, MONDO:0015356.
Familial adenomatous polyposis 1 (FAP1). Also called: FAMILIAL ADENOMATOUS POLYPOSIS 1, ATTENUATED; POLYPOSIS, ADENOMATOUS INTESTINAL. Identifiers: MedGen C2713442, MONDO:0021056, OMIM 175100. Disease mechanism: loss of function.

Submissions (2):

Labcorp Genetics (formerly Invitae), Labcorp
Classification: Uncertain significance for Familial adenomatous polyposis 1. Last evaluated: 2026-01-31. Review status: criteria provided, single submitter. Criteria: Invitae Variant Classification Sherloc (09022015). Collection method: clinical testing. Allele origin: germline.
Comment: This sequence change replaces serine, which is neutral and polar, with leucine, which is neutral and non-polar, at codon 2328 of the APC protein (p.Ser2328Leu). This variant is not present in population databases (gnomAD no frequency). This variant has not been reported in the literature in individuals affected with APC-related conditions. ClinVar contains an entry for this variant (Variation ID: 1468160). Invitae Evidence Modeling of protein sequence and biophysical properties (such as structural, functional, and spatial information, amino acid conservation, physicochemical variation, residue mobility, and thermodynamic stability) indicates that this missense variant is not expected to disrupt APC protein function with a negative predictive value of 95%. In summary, the available evidence is currently insufficient to determine the role of this variant in disease. Therefore, it has been classified as a Variant of Uncertain Significance.

Ambry Genetics
Classification: Uncertain significance for Hereditary cancer-predisposing syndrome. Last evaluated: 2025-11-10. Review status: criteria provided, single submitter. Criteria: Ambry Variant Classification Scheme 2023. Collection method: clinical testing. Allele origin: germline.
Comment: The p.S2328L variant (also known as c.6983C>T), located in coding exon 15 of the APC gene, results from a C to T substitution at nucleotide position 6983. The serine at codon 2328 is replaced by leucine, an amino acid with dissimilar properties. This amino acid position is highly conserved in available vertebrate species. In addition, in silico predictors for this gene do not accurately predict pathogenicity. Missense variants in APC are not a common cause of disease (Spier I et al. Genet Med. 2024 Feb;26(2):100992). Based on the available evidence, the clinical significance of this variant remains unclear.

Literature cited by the submitters: PubMed 24728327 (cited by Ambry Genetics).

NM_000038.6(APC):c.6983C>T (p.Ser2328Leu)

Gene: APC (APC regulator of Wnt signaling pathway; plus strand). Cytogenetic location: 5q22.2.
Variant type: single nucleotide variant.
Coding change: c.6983C>T on transcript NM_000038.6 (MANE Select); coding-DNA position 6983, C replaced by T.
Protein change: p.Ser2328Leu; replaces serine 2328 with leucine.
Molecular consequence: missense variant.
Genome position (GRCh38, 1-based): chr5:112,842,577, C>T. VCF-style: chr5-112842577-C-T. GRCh37 (hg19) VCF-style: chr5-112178274-C-T.
Other names: c.6983C>T, p.Ser2328Leu (NM_001127510.3, NM_001354895.2); c.6929C>T, p.Ser2310Leu (NM_001127511.3); c.7037C>T, p.Ser2346Leu (NM_001354896.2); c.7013C>T, p.Ser2338Leu (NM_001354897.2); c.6908C>T, p.Ser2303Leu (NM_001354898.2); c.6899C>T, p.Ser2300Leu (NM_001354899.2); c.6860C>T, p.Ser2287Leu (NM_001354900.2); c.6806C>T, p.Ser2269Leu (NM_001354901.2); and 5 more; short protein forms S2202L, S2300L, S2045L, S2227L, S2346L, S2168L, S2237L, S2269L.
Identifiers: ClinVar variation 1468160 (VCV001468160.11), dbSNP rs1766347750, ClinGen allele CA16036557.